The following is an entry in ClinVar:

NM_005257.6(GATA6):c.1375G>A (p.Ala459Thr)

Gene: GATA6 (GATA binding protein 6; plus strand). Cytogenetic location: 18q11.2.
Variant type: single nucleotide variant.
Coding change: c.1375G>A on transcript NM_005257.6 (MANE Select); coding-DNA position 1375, G replaced by A.
Protein change: p.Ala459Thr; replaces alanine 459 with threonine.
Molecular consequence: missense variant.
Genome position (GRCh38, 1-based): chr18:22,181,525, G>A. VCF-style: chr18-22181525-G-A. GRCh37 (hg19) VCF-style: chr18-19761486-G-A.
Other names: short protein forms A459T.
Identifiers: ClinVar variation 211064 (VCV000211064.27), dbSNP rs151176879, ClinGen allele CA205103.

ClinVar aggregate classification (germline): Conflicting classifications of pathogenicity. Review status: criteria provided, conflicting classifications (1 of 4 stars). 8 submissions from 8 submitters: Uncertain significance (4); Uncertain risk allele (1); Likely benign (2). 1 of the submissions does not count toward it. Last evaluated 2026-01-21.

Conditions:
GATA6-related disorder. Also called: GATA6-related condition.
Monogenic diabetes. Identifiers: Orphanet 183625, MedGen C3888631, MONDO:0015967.
Atrioventricular septal defect 5 (AVSD5). Identifiers: MedGen C3280939, MONDO:0013769, OMIM 614474.
Heart defects, congenital, and other congenital anomalies. Also called: Pancreatic hypoplasia-diabetes-congenital heart disease syndrome; PANCREATIC HYPOPLASIA, CONGENITAL, WITH DIABETES MELLITUS AND CONGENITAL HEART DISEASE. Identifiers: Orphanet 2255, MedGen C2931296, MONDO:0010802, OMIM 600001.

Allele frequency attached by ClinVar (database versions not stated): gnomAD exomes 0.00008 and 0.00018; ExAC 0.00022; 1000 Genomes Project 0.00040; 1000 Genomes Project 30x 0.00062; TOPMed 0.00076; ESP Exome Variant Server 0.00077; gnomAD 0.00083 and 0.00091.
gnomAD v4.1: 244 of 1,614,158 alleles (0.015%); highest among the groups gnomAD compares: African/African-American, 0.28%; no homozygotes.

Submissions (8):

Labcorp Genetics (formerly Invitae), Labcorp
Classification: Likely benign for Atrioventricular septal defect 5. Last evaluated: 2026-01-21. Review status: criteria provided, single submitter. Criteria: Invitae Variant Classification Sherloc (09022015). Collection method: clinical testing. Allele origin: germline.

Blueprint Genetics
Classification: Likely benign. Last evaluated: 2024-07-04. Review status: criteria provided, single submitter. Criteria: ACMG Guidelines, 2015. Collection method: clinical testing. Allele origin: germline.

Revvity Omics, Revvity
Classification: Uncertain significance. Last evaluated: 2022-02-08. Review status: criteria provided, single submitter. Criteria: ACMG Guidelines, 2015. Collection method: clinical testing. Allele origin: germline.

GeneDx
Classification: Uncertain significance. Last evaluated: 2021-02-04. Review status: criteria provided, single submitter. Criteria: GeneDx Variant Classification Process June 2021. Collection method: clinical testing. Allele origin: germline. Affected: yes.
Comment: Has not been reported as pathogenic or benign in association with arrhythmia to our knowledge; Reported in ClinVar (ClinVar Variant ID# 211064; Landrum et al., 2016); In silico analysis, which includes protein predictors and evolutionary conservation, supports a deleterious effect; This variant is associated with the following publications: (PMID: 25107291)

Personalized Diabetes Medicine Program, University of Maryland School of Medicine
Classification: Uncertain significance for Monogenic diabetes. Last evaluated: 2018-06-29. Review status: criteria provided, single submitter. Criteria: ACMG Guidelines, 2015. Collection method: research. Allele origin: unknown. Observed: 1 variant allele, 1 heterozygote.
Comment: ACMG criteria: PP3 (8 predictors, REVEL = 0.687; not using BP4 (3 predictors)), PM1 (located in second zinc finger domain, lots of other mutations present (PMID: 22158542)), BS2 (77 individuals in gnomAD (69 (0.28%) African) = VUS. Variant in paper showing family members of probands with mutations/early onset severe phenotype and variable expressivity (some with just diabetes, PMID: 23223019, 24310933)

Genetic Services Laboratory, University of Chicago
Classification: Uncertain significance. Last evaluated: 2014-06-27. Review status: criteria provided, single submitter. Criteria: ACMG Guidelines, 2015. Collection method: clinical testing. Allele origin: germline.

Clinical Genomics, Uppaluri K&H Personalized Medicine Clinic
Classification: Uncertain risk allele for Heart defects, congenital, and other congenital anomalies. Review status: criteria provided, single submitter. Criteria: K And H Uppaluri Personalized Medicine Clinic Variant Classification And Assertion Criteria Updated V 2. Collection method: research. Allele origin: unknown. Inheritance: Autosomal dominant inheritance.
Comment: Potent mutations in GATA6 gene are associated with neonatal diabetes, decreased insulin production due to pancreatic aplasia or hypoplasia. Also associated with isolated cardiac abnormalities in children, like atrial septal defects.However no sufficient evidence is found to ascertain the role of this particular variant rs151176879 yet.

PreventionGenetics, part of Exact Sciences
Classification: Likely benign for GATA6-related condition. Last evaluated: 2022-02-18. Review status: no assertion criteria provided. Collection method: clinical testing. Allele origin: germline. Not counted in ClinVar's aggregate classification.
Comment: This variant is classified as likely benign based on ACMG/AMP sequence variant interpretation guidelines (Richards et al. 2015 PMID: 25741868, with internal and published modifications).

Literature cited by the submitters: PubMed 22158542 (cited by Personalized Diabetes Medicine Program, University of Maryland School of Medicine and Clinical Genomics, Uppaluri K&H Personalized Medicine Clinic); PubMed 23223019 (cited by Personalized Diabetes Medicine Program, University of Maryland School of Medicine and Clinical Genomics, Uppaluri K&H Personalized Medicine Clinic); PubMed 24310933 (cited by Personalized Diabetes Medicine Program, University of Maryland School of Medicine); PubMed 25706805 (cited by Clinical Genomics, Uppaluri K&H Personalized Medicine Clinic); PubMed 31271559 (cited by Clinical Genomics, Uppaluri K&H Personalized Medicine Clinic).